The following is an entry in ClinVar:

ClinVar aggregate classification (germline): Uncertain significance (1 of 4 stars; one submission).

Allele frequency attached by ClinVar (database versions not stated): gnomAD exomes below 0.00001; TOPMed below 0.00001.

Submission:

GeneDx
Classification: Uncertain significance. Last evaluated: 2023-04-07. Review status: criteria provided, single submitter. Criteria: GeneDx Variant Classification Process June 2021. Collection method: clinical testing. Allele origin: germline. Affected: yes.
Comment: Not observed at significant frequency in large population cohorts (gnomAD); In silico analysis supports that this missense variant does not alter protein structure/function; Has not been previously published as pathogenic or benign to our knowledge

NM_032977.4(CASP10):c.1111C>G (p.Leu371Val)

Gene: CASP10 (caspase 10; plus strand). Cytogenetic location: 2q33.1.
Variant type: single nucleotide variant.
Coding change: c.1111C>G on transcript NM_032977.4 (MANE Select); coding-DNA position 1111, C replaced by G.
Protein change: p.Leu371Val; replaces leucine 371 with valine.
Molecular consequence: missense variant. On other transcripts: 3 prime UTR variant (1).
Genome position (GRCh38, 1-based): chr2:201,209,258, C>G. VCF-style: chr2-201209258-C-G. GRCh37 (hg19) VCF-style: chr2-202073981-C-G.
Other names: c.910C>G, p.Leu304Val (NM_001206524.2); c.982C>G, p.Leu328Val (NM_001206542.2, NM_001230.5); c.1111C>G, p.Leu371Val (NM_032974.5); c.*197C>G (NM_032976.4); short protein forms L304V, L328V, L371V.
Identifiers: ClinVar variation 2662029 (VCV002662029.1), dbSNP rs1945316632, ClinGen allele CA350291353.